The following is an entry in ClinVar:

NM_017514.5(PLXNA3):c.1555C>T (p.Arg519Cys)

Gene: PLXNA3 (plexin A3; plus strand). Cytogenetic location: Xq28.
Variant type: single nucleotide variant.
Coding change: c.1555C>T on transcript NM_017514.5 (MANE Select); coding-DNA position 1555, C replaced by T.
Protein change: p.Arg519Cys; replaces arginine 519 with cysteine.
Molecular consequence: missense variant.
Genome position (GRCh38, 1-based): chrX:154,463,958, C>T. VCF-style: chrX-154463958-C-T. GRCh37 (hg19) VCF-style: chrX-153692301-C-T.
Other names: short protein forms R519C.
Identifiers: ClinVar variation 2492074 (VCV002492074.3), dbSNP rs1557205840, ClinGen allele CA415235743.

ClinVar aggregate classification (germline): Uncertain significance. Review status: criteria provided, single submitter (1 of 4 stars). 2 submissions from 2 submitters: Uncertain significance (1). 1 of the submissions does not count toward it. Last evaluated 2023-03-01.

Conditions:
PLXNA3-related disorder. Also called: PLXNA3-related condition.

gnomAD v4.1: 2 of 1,171,056 alleles (0.00017%); highest among the groups gnomAD compares: East Asian, 0.0032%; no homozygotes.

Submissions (2):

Ambry Genetics
Classification: Uncertain significance. Last evaluated: 2023-03-01. Review status: criteria provided, single submitter. Criteria: Ambry Variant Classification Scheme 2023. Collection method: clinical testing. Allele origin: germline.

PreventionGenetics, part of Exact Sciences
Classification: Uncertain significance for PLXNA3-related condition. Last evaluated: 2024-04-18. Review status: no assertion criteria provided. Collection method: clinical testing. Allele origin: germline. Not counted in ClinVar's aggregate classification.
Comment: The PLXNA3 c.1555C>T variant is predicted to result in the amino acid substitution p.Arg519Cys. To our knowledge, this variant has not been reported in the literature. This variant is reported in 0.012% of alleles in individuals of East Asian descent with one hemizygote in gnomAD. At this time, the clinical significance of this variant is uncertain due to the absence of conclusive functional and genetic evidence.